The following is an entry in ClinVar:

ClinVar aggregate classification (germline): Uncertain significance (1 of 4 stars; one submission).

Conditions:
Gnathodiaphyseal dysplasia (GDD). Also called: GNATHODIAPHYSEAL SCLEROSIS; OSTEOGENESIS IMPERFECTA WITH UNUSUAL SKELETAL LESIONS. Identifiers: Orphanet 53697, MedGen C1833736, MONDO:0008151, OMIM 166260.
Autosomal recessive limb-girdle muscular dystrophy type 2L (LGMDR12). Also called: MUSCULAR DYSTROPHY, LIMB-GIRDLE, AUTOSOMAL RECESSIVE 12; Limb-girdle muscular dystrophy, type 2L; Limb-Girdle Muscular Dystrophy R12 Anoctamin-5-Related (LGMD-R12). Identifiers: Orphanet 206549, MedGen C1969785, MONDO:0012652, OMIM 611307.

gnomAD v4.1: 3 of 1,613,162 alleles (0.00019%); highest among the groups gnomAD compares: South Asian, 0.0033%; no homozygotes.

Submission:

Labcorp Genetics (formerly Invitae), Labcorp
Classification: Uncertain significance for Autosomal recessive limb-girdle muscular dystrophy type 2L; Gnathodiaphyseal dysplasia. Last evaluated: 2022-06-04. Review status: criteria provided, single submitter. Criteria: Invitae Variant Classification Sherloc (09022015). Collection method: clinical testing. Allele origin: germline.
Comment: This sequence change replaces glutamic acid, which is acidic and polar, with lysine, which is basic and polar, at codon 8 of the ANO5 protein (p.Glu8Lys). This variant is present in population databases (no rsID available, gnomAD 0.007%). This variant has not been reported in the literature in individuals affected with ANO5-related conditions. Algorithms developed to predict the effect of missense changes on protein structure and function (SIFT, PolyPhen-2, Align-GVGD) all suggest that this variant is likely to be tolerated. In summary, the available evidence is currently insufficient to determine the role of this variant in disease. Therefore, it has been classified as a Variant of Uncertain Significance.

NM_213599.3(ANO5):c.22G>A (p.Glu8Lys)

Gene: ANO5 (anoctamin 5; plus strand). Cytogenetic location: 11p14.3.
Variant type: single nucleotide variant.
Coding change: c.22G>A on transcript NM_213599.3 (MANE Select); coding-DNA position 22, G replaced by A.
Protein change: p.Glu8Lys; replaces glutamic acid 8 with lysine.
Molecular consequence: missense variant.
Genome position (GRCh38, 1-based): chr11:22,193,514, G>A. VCF-style: chr11-22193514-G-A. GRCh37 (hg19) VCF-style: chr11-22215060-G-A.
Other names: c.22G>A, p.Glu8Lys (NM_001142649.2, NM_001410963.1, NM_001410964.1); short protein forms E8K.
Identifiers: ClinVar variation 2045972 (VCV002045972.4), dbSNP rs1191668273, ClinGen allele CA379921912.
Genomic context (GRCh38, chr11:22,193,514, plus strand): 5'-TGCCTCTCAGGCACCAGTGCCATTAACGAGCTGGCGAAGATGGGCGACCCGGATCTCCTG[G>A]AAGTGTTGGCGGAGGAAGGTAGGACCGCGCCAAGAGGCGTCAAGGGAGAGCCAGGCTGGC-3'
Protein context (NP_998764.1, residues 1-18): MGDPDLL[Glu8Lys]VLAEEGEKVN